The following is an entry in ClinVar:

ClinVar aggregate classification (germline): Uncertain significance (1 of 4 stars; one submission).

Conditions:
Koolen-de Vries syndrome (KDVS). Identifiers: Orphanet 96169, MedGen C1864871, MONDO:0012496, OMIM 610443.

Allele frequency attached by ClinVar (database versions not stated): gnomAD 0.00001; TOPMed 0.00001.
gnomAD v4.1: 1 of 1,613,994 alleles (0.000062%); highest among the groups gnomAD compares: Non-Finnish European, 0.000085%; no homozygotes.

Submission:

Labcorp Genetics (formerly Invitae), Labcorp
Classification: Uncertain significance for Koolen-de Vries syndrome. Last evaluated: 2021-12-03. Review status: criteria provided, single submitter. Criteria: Invitae Variant Classification Sherloc (09022015). Collection method: clinical testing. Allele origin: germline.
Comment: In summary, the available evidence is currently insufficient to determine the role of this variant in disease. Therefore, it has been classified as a Variant of Uncertain Significance. Algorithms developed to predict the effect of missense changes on protein structure and function are either unavailable or do not agree on the potential impact of this missense change (SIFT: "Deleterious"; PolyPhen-2: "Benign"; Align-GVGD: "Class C25"). This variant has not been reported in the literature in individuals affected with KANSL1-related conditions. This variant is not present in population databases (gnomAD no frequency). This sequence change replaces valine, which is neutral and non-polar, with isoleucine, which is neutral and non-polar, at codon 668 of the KANSL1 protein (p.Val668Ile).

NM_015443.4(KANSL1):c.2002G>A (p.Val668Ile)

Gene: KANSL1 (KAT8 regulatory NSL complex subunit 1). Cytogenetic location: 17q21.31.
Variant type: single nucleotide variant.
Coding change: c.2002G>A on transcript NM_015443.4 (MANE Select); coding-DNA position 2002, G replaced by A.
Protein change: p.Val668Ile; replaces valine 668 with isoleucine.
Molecular consequence: missense variant.
Genome position (GRCh38, 1-based): chr17:46,050,551, C>T on the plus strand (G>A on the coding strand, the complement: KANSL1 is on the minus strand). VCF-style: chr17-46050551-C-T. GRCh37 (hg19) VCF-style: chr17-44127917-C-T.
Other names: c.2002G>A, p.Val668Ile (NM_001379198.1, NM_001405854.1, NM_001405855.1 and 14 more transcripts); c.1900G>A, p.Val634Ile (NM_001405859.1, NM_001405860.1, NM_001405861.1 and 1 more transcripts); c.736G>A, p.Val246Ile (NM_001405882.1, NM_001405883.1, NM_001405884.1 and 1 more transcripts); short protein forms V246I, V634I, V668I.
Identifiers: ClinVar variation 2029880 (VCV002029880.4), dbSNP rs1055952978, ClinGen allele CA291112017.